The following is an entry in ClinVar:

NM_177438.3(DICER1):c.2460A>G (p.Thr820=)

Gene: DICER1 (dicer 1, ribonuclease III; minus strand). Cytogenetic location: 14q32.13.
Variant type: single nucleotide variant.
Coding change: c.2460A>G on transcript NM_177438.3 (MANE Select); coding-DNA position 2460, A replaced by G.
Protein change: p.Thr820=; no amino-acid change (threonine 820 retained).
Molecular consequence: synonymous variant. On other transcripts: non-coding transcript variant (6).
Genome position (GRCh38, 1-based): chr14:95,108,070, T>C on the plus strand (A>G on the coding strand, the complement: DICER1 is on the minus strand). VCF-style: chr14-95108070-T-C. GRCh37 (hg19) VCF-style: chr14-95574407-T-C.
Other names: c.2460A>G, p.Thr820= (NM_001195573.1, NM_001271282.3, NM_001291628.2 and 12 more transcripts); c.2178A>G, p.Thr726= (NM_001395686.1); c.2055A>G, p.Thr685= (NM_001395687.1, NM_001395688.1, NM_001395689.1 and 2 more transcripts); c.1893A>G, p.Thr631= (NM_001395691.1); c.777A>G, p.Thr259= (NM_001395697.1).
Identifiers: ClinVar variation 5042192 (VCV005042192.1).

ClinVar aggregate classification (germline): Benign (1 of 4 stars; one submission).

Conditions:
DICER1-related tumor predisposition. Also called: DICER1 syndrome; DICER1-related pleuropulmonary blastoma cancer predisposition syndrome. Identifiers: Orphanet 284343, MedGen C3839822, MONDO:0100216.

Submission:

Myriad Genetics, Inc.
Classification: Benign for DICER1-related tumor predisposition. Last evaluated: 2026-08-18. Review status: criteria provided, single submitter. Criteria: Myriad Autosomal Dominant, Autosomal Recessive and X-Linked Classification Criteria (2023). Collection method: clinical testing. Allele origin: unknown.
Comment: This variant is considered benign. This variant is a silent/synonymous amino acid change and it is not expected to impact splicing.